The following is an entry in ClinVar:

ClinVar aggregate classification (germline): Uncertain significance (1 of 4 stars; one submission).

Conditions:
Cardiovascular phenotype. Identifiers: MedGen CN230736.

Submission:

Ambry Genetics
Classification: Uncertain significance for Cardiovascular phenotype. Last evaluated: 2025-12-30. Review status: criteria provided, single submitter. Criteria: Ambry Variant Classification Scheme 2023. Collection method: clinical testing. Allele origin: germline.
Comment: The p.T1596S variant (also known as c.4786A>T), located in coding exon 39 of the CACNA1C gene, results from an A to T substitution at nucleotide position 4786. The threonine at codon 1596 is replaced by serine, an amino acid with similar properties. This amino acid position is conserved. In addition, this alteration is predicted to be deleterious by in silico analysis. Based on the available evidence, the clinical significance of this variant remains unclear.

NM_000719.7(CACNA1C):c.4786A>T (p.Thr1596Ser)

Gene: CACNA1C (calcium voltage-gated channel subunit alpha1 C; plus strand). Cytogenetic location: 12p13.33.
Variant type: single nucleotide variant.
Coding change: c.4786A>T on transcript NM_000719.7 (MANE Select); coding-DNA position 4786, A replaced by T.
Protein change: p.Thr1596Ser; replaces threonine 1596 with serine.
Molecular consequence: missense variant.
Genome position (GRCh38, 1-based): chr12:2,674,600, A>T. VCF-style: chr12-2674600-A-T. GRCh37 (hg19) VCF-style: chr12-2783766-A-T.
Other names: c.4930A>T, p.Thr1644Ser (NM_001129827.2, NM_199460.4); c.4909A>T, p.Thr1637Ser (NM_001129829.2); c.4786A>T, p.Thr1596Ser (NM_001129830.3, NM_001129840.2, NM_001129841.2 and 4 more transcripts); c.4870A>T, p.Thr1624Ser (NM_001129831.2); c.4846A>T, p.Thr1616Ser (NM_001129832.2); c.4843A>T, p.Thr1615Ser (NM_001129833.2, NM_001129834.2, NM_001129835.2); c.4837A>T, p.Thr1613Ser (NM_001129836.2); c.4810A>T, p.Thr1604Ser (NM_001129837.2, NM_001129838.2); and 3 more; short protein forms T1585S, T1604S, T1593S, T1602S, T1613S, T1615S, T1624S, T1644S.
Identifiers: ClinVar variation 4843475 (VCV004843475.1).